The following is an entry in ClinVar:

ClinVar aggregate classification (germline): Uncertain significance (1 of 4 stars; one submission).

Conditions:
NIK deficiency. Also called: Primary immunodeficiency with multifaceted aberrant lymphoid immunity. Identifiers: Orphanet 447731, MedGen C5680065, MONDO:0018642.

Submission:

Labcorp Genetics (formerly Invitae), Labcorp
Classification: Uncertain significance for NIK deficiency. Last evaluated: 2024-10-16. Review status: criteria provided, single submitter. Criteria: Invitae Variant Classification Sherloc (09022015). Collection method: clinical testing. Allele origin: germline.
Comment: This sequence change replaces aspartic acid, which is acidic and polar, with valine, which is neutral and non-polar, at codon 308 of the MAP3K14 protein (p.Asp308Val). This variant is not present in population databases (gnomAD no frequency). This variant has not been reported in the literature in individuals affected with MAP3K14-related conditions. ClinVar contains an entry for this variant (Variation ID: 1003502). Experimental studies and prediction algorithms are not available or were not evaluated, and the functional significance of this variant is currently unknown. In summary, the available evidence is currently insufficient to determine the role of this variant in disease. Therefore, it has been classified as a Variant of Uncertain Significance.

NM_003954.5(MAP3K14):c.923A>T (p.Asp308Val)

Gene: MAP3K14 (mitogen-activated protein kinase kinase kinase 14; minus strand). Cytogenetic location: 17q21.31.
Variant type: single nucleotide variant.
Coding change: c.923A>T on transcript NM_003954.5 (MANE Select); coding-DNA position 923, A replaced by T.
Protein change: p.Asp308Val; replaces aspartic acid 308 with valine.
Molecular consequence: missense variant.
Genome position (GRCh38, 1-based): chr17:45,286,660, T>A on the plus strand (A>T on the coding strand, the complement: MAP3K14 is on the minus strand). VCF-style: chr17-45286660-T-A. GRCh37 (hg19) VCF-style: chr17-43364027-T-A.
Other names: short protein forms D308V.
Identifiers: ClinVar variation 1003502 (VCV001003502.7), dbSNP rs2044267741, ClinGen allele CA399888114.